The following is an entry in ClinVar:

NM_152594.3(SPRED1):c.709G>A (p.Val237Ile)

Gene: SPRED1 (sprouty related EVH1 domain containing 1; plus strand). Cytogenetic location: 15q14.
Variant type: single nucleotide variant.
Coding change: c.709G>A on transcript NM_152594.3 (MANE Select); coding-DNA position 709, G replaced by A.
Protein change: p.Val237Ile; replaces valine 237 with isoleucine.
Molecular consequence: missense variant.
Genome position (GRCh38, 1-based): chr15:38,351,038, G>A. VCF-style: chr15-38351038-G-A. GRCh37 (hg19) VCF-style: chr15-38643239-G-A.
Other names: short protein forms V237I.
Identifiers: ClinVar variation 4174031 (VCV004174031.1).

ClinVar aggregate classification (germline): Uncertain significance (1 of 4 stars; one submission).

Conditions:
Cardiovascular phenotype. Identifiers: MedGen CN230736.

gnomAD v4.1: 13 of 1,613,562 alleles (0.00081%); highest among the groups gnomAD compares: Non-Finnish European, 0.0011%; no homozygotes.

Submission:

Ambry Genetics
Classification: Uncertain significance for Cardiovascular phenotype. Last evaluated: 2025-07-07. Review status: criteria provided, single submitter. Criteria: Ambry Variant Classification Scheme 2023. Collection method: clinical testing. Allele origin: germline.
Comment: The p.V237I variant (also known as c.709G>A), located in coding exon 7 of the SPRED1 gene, results from a G to A substitution at nucleotide position 709. The valine at codon 237 is replaced by isoleucine, an amino acid with highly similar properties. This amino acid position is conserved. In addition, the in silico prediction for this alteration is inconclusive. Based on the available evidence, the clinical significance of this variant remains unclear.